The following is an entry in ClinVar:

NM_001182.5(ALDH7A1):c.1224T>G (p.Tyr408Ter)

Gene: ALDH7A1 (aldehyde dehydrogenase 7 family member A1; minus strand). Cytogenetic location: 5q23.2.
Variant type: single nucleotide variant.
Coding change: c.1224T>G on transcript NM_001182.5 (MANE Select); coding-DNA position 1224, T replaced by G.
Protein change: p.Tyr408Ter; replaces tyrosine 408 with a stop codon.
Molecular consequence: nonsense.
Genome position (GRCh38, 1-based): chr5:126,552,114, A>C on the plus strand (T>G on the coding strand, the complement: ALDH7A1 is on the minus strand). VCF-style: chr5-126552114-A-C. GRCh37 (hg19) VCF-style: chr5-125887806-A-C.
Other names: c.1140T>G, p.Tyr380Ter (NM_001201377.2); c.1032T>G, p.Tyr344Ter (NM_001202404.2); short protein forms Y380*, Y408*, Y344*.
Identifiers: ClinVar variation 18000 (VCV000018000.3), dbSNP rs121912710, ClinGen allele CA258081.
Genomic context (GRCh38, chr5:126,552,114, plus strand): 5'-AGTCTCTGTGTGTGCAATGGACGCATCGTGGCCAAGACCTGTCACAATTGTCGGTTCTAC[A>C]TAATTTCCAGGGCGATCCATAACCTAATGCAGAGAAATGAAATAAAAAGAATGAAAGCAT-3'

ClinVar aggregate classification (germline): Pathogenic. Review status: criteria provided, single submitter (1 of 4 stars). 2 submissions from 2 submitters: Pathogenic (1). 1 of the submissions does not count toward it. Last evaluated 2016-03-28.

Conditions:
Pyridoxine-dependent epilepsy (EPEO4). Also called: EPILEPSY, EARLY-ONSET, 4, VITAMIN B6-DEPENDENT; PYRIDOXINE DEPENDENCY WITH SEIZURES; Pyridoxine-Dependent Epilepsy - ALDH7A1; Pyridoxine-Dependent Seizures. Identifiers: Orphanet 3006, MedGen C1849508, MONDO:0009945, OMIM 266100. Disease mechanism: loss of function.

Submissions (2):

GeneDx
Classification: Pathogenic. Last evaluated: 2016-03-28. Review status: criteria provided, single submitter. Criteria: GeneDx Variant Classification (06012015). Collection method: clinical testing. Allele origin: germline. Affected: yes.
Comment: The Y408X nonsense pathogenic variant has been previously reported, using alternative nomenclature, in association with pyridoxine-dependent seizures (Mills et al., 2006). Functional studies indicate Y408X significantly decreases enzyme activity (Mills et al., 2006). The Y408X pathogenic variant is predicted to cause loss of normal protein function either through protein truncation or nonsense-mediated mRNA decay. It was not observed in approximately 6,500 individuals of European and African American ancestry in the NHLBI Exome Sequencing Project, indicating it is not a common benign variant in these populations. Therefore, Y408X is considered to be a pathogenic variant.

OMIM
Classification: Pathogenic for EPILEPSY, EARLY-ONSET, 4, VITAMIN B6-DEPENDENT. Last evaluated: 2006-03-01. Review status: no assertion criteria provided. Collection method: literature only. Allele origin: germline. Not counted in ClinVar's aggregate classification.

Literature cited by the submitters: PubMed 16491085 (cited by OMIM).